The following is an entry in ClinVar:

ClinVar aggregate classification (germline): Uncertain significance (1 of 4 stars; one submission).

Conditions:
Bethlem myopathy 1A. Also called: Bethlem Muscular Dystrophy; MYOPATHY, BENIGN CONGENITAL, WITH CONTRACTURES; Bethlem myopathy 1. Identifiers: Orphanet 610, MedGen CN029274, MONDO:0024530, OMIM 158810.

Submission:

Labcorp Genetics (formerly Invitae), Labcorp
Classification: Uncertain significance for Bethlem myopathy 1A. Last evaluated: 2022-03-19. Review status: criteria provided, single submitter. Criteria: Invitae Variant Classification Sherloc (09022015). Collection method: clinical testing. Allele origin: germline.
Comment: This sequence change replaces phenylalanine, which is neutral and non-polar, with leucine, which is neutral and non-polar, at codon 997 of the COL6A2 protein (p.Phe997Leu). This variant is not present in population databases (gnomAD no frequency). This variant has not been reported in the literature in individuals affected with COL6A2-related conditions. ClinVar contains an entry for this variant (Variation ID: 1008060). Algorithms developed to predict the effect of missense changes on protein structure and function are either unavailable or do not agree on the potential impact of this missense change (SIFT: "Deleterious"; PolyPhen-2: "Probably Damaging"; Align-GVGD: "Class C0"). In summary, the available evidence is currently insufficient to determine the role of this variant in disease. Therefore, it has been classified as a Variant of Uncertain Significance.

NM_001849.4(COL6A2):c.2991C>A (p.Phe997Leu)

Gene: COL6A2 (collagen type VI alpha 2 chain; plus strand). Cytogenetic location: 21q22.3.
Variant type: single nucleotide variant.
Coding change: c.2991C>A on transcript NM_001849.4 (MANE Select); coding-DNA position 2991, C replaced by A.
Protein change: p.Phe997Leu; replaces phenylalanine 997 with leucine.
Molecular consequence: missense variant.
Genome position (GRCh38, 1-based): chr21:46,132,483, C>A. VCF-style: chr21-46132483-C-A. GRCh37 (hg19) VCF-style: chr21-47552397-C-A.
Other names: short protein forms F997L.
Identifiers: ClinVar variation 1008060 (VCV001008060.6), dbSNP rs1555877365, ClinGen allele CA410550458.